The following is an entry in ClinVar:

ClinVar aggregate classification (germline): Likely benign (1 of 4 stars; one submission).

Allele frequency attached by ClinVar (database versions not stated): gnomAD 0.00001; gnomAD exomes 0.00001; ExAC 0.00004.
gnomAD v4.1: 12 of 1,606,988 alleles (0.00075%); highest among the groups gnomAD compares: East Asian, 0.018%; no homozygotes.

Submission:

CeGaT Center for Human Genetics Tuebingen
Classification: Likely benign. Last evaluated: 2022-03-01. Review status: criteria provided, single submitter. Criteria: CeGaT Center For Human Genetics Tuebingen Variant Classification Criteria Version 2. Collection method: clinical testing. Allele origin: germline. Affected: yes. Observed: 1 variant allele.
Comment: SHMT2: BP4, BP7

NM_005412.6(SHMT2):c.720G>A (p.Val240=)

Gene: SHMT2 (serine hydroxymethyltransferase 2; plus strand). Cytogenetic location: 12q13.3.
Variant type: single nucleotide variant.
Coding change: c.720G>A on transcript NM_005412.6 (MANE Select); coding-DNA position 720, G replaced by A.
Protein change: p.Val240=; no amino-acid change (valine 240 retained).
Molecular consequence: synonymous variant. On other transcripts: non-coding transcript variant (4).
Genome position (GRCh38, 1-based): chr12:57,232,706, G>A. VCF-style: chr12-57232706-G-A. GRCh37 (hg19) VCF-style: chr12-57626489-G-A.
Other names: c.690G>A, p.Val230= (NM_001166356.2); c.657G>A, p.Val219= (NM_001166357.1, NM_001166358.2, NM_001166359.1).
Identifiers: ClinVar variation 2643132 (VCV002643132.24), dbSNP rs756952031, ClinGen allele CA6646469.